The following is an entry in ClinVar:

NM_001083116.3(PRF1):c.326C>T (p.Ala109Val)

Gene: PRF1 (perforin 1; minus strand). Cytogenetic location: 10q22.1.
Variant type: single nucleotide variant.
Coding change: c.326C>T on transcript NM_001083116.3 (MANE Select); coding-DNA position 326, C replaced by T.
Protein change: p.Ala109Val; replaces alanine 109 with valine.
Molecular consequence: missense variant.
Genome position (GRCh38, 1-based): chr10:70,600,577, G>A on the plus strand (C>T on the coding strand, the complement: PRF1 is on the minus strand). VCF-style: chr10-70600577-G-A. GRCh37 (hg19) VCF-style: chr10-72360333-G-A.
Other names: c.326C>T, p.Ala109Val (NM_005041.6); short protein forms A109V.
Identifiers: ClinVar variation 664343 (VCV000664343.6), dbSNP rs1589233312, ClinGen allele CA376959641.
Genomic context (GRCh38, chr10:70,600,577, plus strand): 5'-CAGTCGTTGCGGATGCTACGAGCCGCATCCCGGGCCACAGCTTCAGTGGAGCTGACTTTG[G>A]CCCTGGTTACATGGCGCTGGCAGCCAGAGCCCTGGGCCCGCCAGTTGGTGAGCGCCAGAG-3'
Protein context (NP_001076585.1, residues 99-119): GSGCQRHVTR[Ala109Val]KVSSTEAVAR

ClinVar aggregate classification (germline): Uncertain significance (1 of 4 stars; one submission).

Conditions:
Familial hemophagocytic lymphohistiocytosis 2 (FHL2). Also called: PRF1-Related Familial Hemophagocytic Lymphohistiocytosis (PRF1-fHLH). Identifiers: Orphanet 540, MedGen C1863727, MONDO:0011337, OMIM 603553.

Submission:

Labcorp Genetics (formerly Invitae), Labcorp
Classification: Uncertain significance for Familial hemophagocytic lymphohistiocytosis 2. Last evaluated: 2022-03-12. Review status: criteria provided, single submitter. Criteria: Invitae Variant Classification Sherloc (09022015). Collection method: clinical testing. Allele origin: germline.
Comment: In summary, the available evidence is currently insufficient to determine the role of this variant in disease. Therefore, it has been classified as a Variant of Uncertain Significance. Algorithms developed to predict the effect of missense changes on protein structure and function output the following: SIFT: "Deleterious"; PolyPhen-2: "Benign"; Align-GVGD: "Class C0". The valine amino acid residue is found in multiple mammalian species, which suggests that this missense change does not adversely affect protein function. ClinVar contains an entry for this variant (Variation ID: 664343). This variant has not been reported in the literature in individuals affected with PRF1-related conditions. This variant is not present in population databases (gnomAD no frequency). This sequence change replaces alanine, which is neutral and non-polar, with valine, which is neutral and non-polar, at codon 109 of the PRF1 protein (p.Ala109Val).